The following is an entry in ClinVar:

NM_001111.5(ADAR):c.20A>G (p.Tyr7Cys)

Gene: ADAR (adenosine deaminase RNA specific; minus strand). Cytogenetic location: 1q21.3.
Variant type: single nucleotide variant.
Coding change: c.20A>G on transcript NM_001111.5 (MANE Select); coding-DNA position 20, A replaced by G.
Protein change: p.Tyr7Cys; replaces tyrosine 7 with cysteine.
Molecular consequence: missense variant. On other transcripts: 5 prime UTR variant (6).
Genome position (GRCh38, 1-based): chr1:154,602,622, T>C on the plus strand (A>G on the coding strand, the complement: ADAR is on the minus strand). VCF-style: chr1-154602622-T-C. GRCh37 (hg19) VCF-style: chr1-154575098-T-C.
Other names: c.47A>G, p.Tyr16Cys (NM_001365045.1); c.-730A>G (NM_001365046.1, NM_001365047.1, NM_001365049.1); c.-866A>G (NM_001365048.1, NM_001025107.3, NM_001193495.2); c.20A>G, p.Tyr7Cys (NM_015840.4, NM_015841.4); short protein forms Y16C, Y7C.
Identifiers: ClinVar variation 2059323 (VCV002059323.4), dbSNP rs773130899, ClinGen allele CA1131777.

ClinVar aggregate classification (germline): Uncertain significance (1 of 4 stars; one submission).

Conditions:
Aicardi-Goutieres syndrome 6 (AGS6). Identifiers: Orphanet 51, MedGen C3539013, MONDO:0014007, OMIM 615010.
Symmetrical dyschromatosis of extremities (DSH). Also called: DYSCHROMATOSIS SYMMETRICA HEREDITARIA 1; Dyschromatosis symmetrica hereditaria; RETICULATE ACROPIGMENTATION OF DOHI; SYMMETRIC DYSCHROMATOSIS OF THE EXTREMITIES. Identifiers: Orphanet 41, MedGen C0406775, MONDO:0007483, OMIM 127400.

Allele frequency attached by ClinVar (database versions not stated): ExAC 0.00001; gnomAD 0.00001; TOPMed 0.00001.
gnomAD v4.1: 2 of 1,613,784 alleles (0.00012%); highest among the groups gnomAD compares: African/African-American, 0.0027%; no homozygotes.

Submission:

Labcorp Genetics (formerly Invitae), Labcorp
Classification: Uncertain significance for Aicardi-Goutieres syndrome 6; Symmetrical dyschromatosis of extremities. Last evaluated: 2023-12-27. Review status: criteria provided, single submitter. Criteria: Invitae Variant Classification Sherloc (09022015). Collection method: clinical testing. Allele origin: germline.
Comment: This sequence change replaces tyrosine, which is neutral and polar, with cysteine, which is neutral and slightly polar, at codon 7 of the ADAR protein (p.Tyr7Cys). This variant is present in population databases (rs773130899, gnomAD 0.009%). This variant has not been reported in the literature in individuals affected with ADAR-related conditions. ClinVar contains an entry for this variant (Variation ID: 2059323). Algorithms developed to predict the effect of missense changes on protein structure and function output the following: SIFT: "Not Available"; PolyPhen-2: "Benign"; Align-GVGD: "Not Available". The cysteine amino acid residue is found in multiple mammalian species, which suggests that this missense change does not adversely affect protein function. In summary, the available evidence is currently insufficient to determine the role of this variant in disease. Therefore, it has been classified as a Variant of Uncertain Significance.